The following is an entry in ClinVar:

NM_015330.6(SPECC1L):c.2549G>A (p.Ser850Asn)

Genes: SPECC1L (sperm antigen with calponin homology and coiled-coil domains 1 like; plus strand), SPECC1L-ADORA2A (SPECC1L-ADORA2A readthrough (NMD candidate); plus strand). Cytogenetic location: 22q11.23.
Variant type: single nucleotide variant.
Coding change: c.2549G>A on transcript NM_015330.6 (MANE Select); coding-DNA position 2549, G replaced by A.
Protein change: p.Ser850Asn; replaces serine 850 with asparagine.
Molecular consequence: missense variant. On other transcripts: non-coding transcript variant (1).
Genome position (GRCh38, 1-based): chr22:24,334,562, G>A. VCF-style: chr22-24334562-G-A. GRCh37 (hg19) VCF-style: chr22-24730530-G-A.
Other names: c.2549G>A, p.Ser850Asn (NM_001145468.4, NM_001254732.3); short protein forms S850N.
Identifiers: ClinVar variation 3682228 (VCV003682228.2).

ClinVar aggregate classification (germline): Uncertain significance (1 of 4 stars; one submission).

gnomAD v4.1: 3 of 1,614,148 alleles (0.00019%); highest among the groups gnomAD compares: Admixed American, 0.0033%; no homozygotes.

Submission:

Labcorp Genetics (formerly Invitae), Labcorp
Classification: Uncertain significance. Last evaluated: 2024-11-22. Review status: criteria provided, single submitter. Criteria: Invitae Variant Classification Sherloc (09022015). Collection method: clinical testing. Allele origin: germline.
Comment: This sequence change replaces serine, which is neutral and polar, with asparagine, which is neutral and polar, at codon 850 of the SPECC1L protein (p.Ser850Asn). This variant is present in population databases (rs750634149, gnomAD 0.003%). This variant has not been reported in the literature in individuals affected with SPECC1L-related conditions. Invitae Evidence Modeling of protein sequence and biophysical properties (such as structural, functional, and spatial information, amino acid conservation, physicochemical variation, residue mobility, and thermodynamic stability) indicates that this missense variant is not expected to disrupt SPECC1L protein function with a negative predictive value of 80%. In summary, the available evidence is currently insufficient to determine the role of this variant in disease. Therefore, it has been classified as a Variant of Uncertain Significance.